The following is an entry in ClinVar:

ClinVar aggregate classification (germline): Uncertain significance. Review status: criteria provided, multiple submitters, no conflicts (2 of 4 stars). 2 submissions from 2 submitters: Uncertain significance (2). Last evaluated 2019-08-08.

Conditions:
Hereditary cancer-predisposing syndrome. Also called: Neoplastic Syndromes, Hereditary; Tumor predisposition; Hereditary Cancer Syndrome; Hereditary neoplastic syndrome. Identifiers: Orphanet 140162, MedGen C0027672, MeSH D009386, MONDO:0015356.
Hereditary breast ovarian cancer syndrome. Also called: Hereditary breast and ovarian cancer syndrome; BRCA1- and BRCA2-Associated Hereditary Breast and Ovarian Cancer; Hereditary breast and ovarian cancer; Hereditary breast and ovarian cancer syndrome (HBOC); Breast and ovarian cancer; Hereditary breast and/or ovarian cancer syndrome. Identifiers: Orphanet 145, MedGen C0677776, MeSH D061325, MONDO:0003582. Disease mechanism: loss of function.

Submissions (2):

Labcorp Genetics (formerly Invitae), Labcorp
Classification: Uncertain significance for Hereditary breast ovarian cancer syndrome. Last evaluated: 2019-08-08. Review status: criteria provided, single submitter. Criteria: Invitae Variant Classification Sherloc (09022015). Collection method: clinical testing. Allele origin: germline.
Comment: In summary, the available evidence is currently insufficient to determine the role of this variant in disease. Therefore, it has been classified as a Variant of Uncertain Significance. Algorithms developed to predict the effect of sequence changes on RNA splicing suggest that this variant may disrupt the consensus splice site, but this prediction has not been confirmed by published transcriptional studies. This variant has not been reported in the literature in individuals with BRCA2-related conditions. This variant is not present in population databases (ExAC no frequency). This sequence change falls in intron 9 of the BRCA2 gene. It does not directly change the encoded amino acid sequence of the BRCA2 protein.

Color Diagnostics, LLC DBA Color Health
Classification: Uncertain significance for Hereditary cancer-predisposing syndrome. Last evaluated: 2019-07-09. Review status: criteria provided, single submitter. Criteria: ACMG Guidelines, 2015. Collection method: clinical testing. Allele origin: germline.
Comment: This variant is located in intron 9 splice acceptor site of the BRCA2 gene. Computational splicing tools suggest that this variant may impact RNA splicing by creating a new splice acceptor site. Functional studies have not been performed to confirm this prediction nor has this variant been reported in individuals affected with hereditary cancer in the literature. This variant has not been identified in the general population by the Genome Aggregation Database (gnomAD). The available evidence is insufficient to determine the role of this variant in disease conclusively. Therefore, this variant is classified as a Variant of Uncertain Significance.

NM_000059.4(BRCA2):c.794-9C>G

Gene: BRCA2 (BRCA2 DNA repair associated; plus strand). Cytogenetic location: 13q13.1.
Variant type: single nucleotide variant.
Coding change: c.794-9C>G on transcript NM_000059.4 (MANE Select); 9 bases into the intron before coding-DNA position 794, C replaced by G.
Molecular consequence: intron variant.
Genome position (GRCh38, 1-based): chr13:32,332,263, C>G. VCF-style: chr13-32332263-C-G. GRCh37 (hg19) VCF-style: chr13-32906400-C-G.
Identifiers: ClinVar variation 925066 (VCV000925066.13), dbSNP rs398122594, ClinGen allele CA1139663100.